The following is an entry in ClinVar:

ClinVar aggregate classification (germline): Uncertain significance (1 of 4 stars; one submission).

Conditions:
Hereditary cancer-predisposing syndrome. Also called: Neoplastic Syndromes, Hereditary; Tumor predisposition; Hereditary Cancer Syndrome; Hereditary neoplastic syndrome. Identifiers: Orphanet 140162, MedGen C0027672, MeSH D009386, MONDO:0015356.

Submission:

Ambry Genetics
Classification: Uncertain significance for Hereditary cancer-predisposing syndrome. Last evaluated: 2026-06-12. Review status: criteria provided, single submitter. Criteria: Ambry Variant Classification Scheme 2023. Collection method: clinical testing. Allele origin: germline.
Comment: The p.F1118L variant (also known as c.3352T>C), located in coding exon 16 of the BLM gene, results from a T to C substitution at nucleotide position 3352. The phenylalanine at codon 1118 is replaced by leucine, an amino acid with highly similar properties. This amino acid position is conserved. In addition, the in silico prediction for this alteration is inconclusive. Based on the available evidence, the clinical significance of this variant remains unclear.

NM_000057.4(BLM):c.3352T>C (p.Phe1118Leu)

Gene: BLM (BLM RecQ like helicase; plus strand). Cytogenetic location: 15q26.1.
Variant type: single nucleotide variant.
Coding change: c.3352T>C on transcript NM_000057.4 (MANE Select); coding-DNA position 3352, T replaced by C.
Protein change: p.Phe1118Leu; replaces phenylalanine 1118 with leucine.
Molecular consequence: missense variant.
Genome position (GRCh38, 1-based): chr15:90,798,331, T>C. VCF-style: chr15-90798331-T-C. GRCh37 (hg19) VCF-style: chr15-91341561-T-C.
Other names: c.3352T>C, p.Phe1118Leu (NM_001287246.2, NM_001287247.2); c.2227T>C, p.Phe743Leu (NM_001287248.2); short protein forms F1118L, F743L.
Identifiers: ClinVar variation 4867526 (VCV004867526.1).
Genomic context (GRCh38, chr15:90,798,331, plus strand): 5'-AGAAATATAAAACATGTAGGTCCTTCTGGAAGATTTACTATGAATATGCTGGTCGACATT[T>C]TCTTGGGTAAGTCATCTGTTTTGAATGTTTGAGTTACTTCAATTGAAATTGAACATCTAA-3'
Protein context (NP_000048.1, residues 1108-1128): RFTMNMLVDI[Phe1118Leu]LGSKSAKIQS